The following is an entry in ClinVar:

ClinVar aggregate classification (germline): Likely pathogenic. Review status: criteria provided, multiple submitters, no conflicts (2 of 4 stars). 3 submissions from 3 submitters: Likely pathogenic (3). Last evaluated 2025-05-14.

Conditions:
Neurofibromatosis, type 1 (NF1). Also called: Peripheral type neurofibromatosis; VON RECKLINGHAUSEN DISEASE; NEUROFIBROMATOSIS, TYPE I, SOMATIC; Neurofibromatosis, type I. Identifiers: Orphanet 636, MedGen C0027831, MONDO:0018975, OMIM 162200. Disease mechanism: loss of function.

Submissions (3):

GeneDx
Classification: Likely pathogenic. Last evaluated: 2025-05-14. Review status: criteria provided, single submitter. Criteria: GeneDx Variant Classification Process June 2021. Collection method: clinical testing. Allele origin: germline. Affected: yes.
Comment: Identified in patients with NF1-related features referred for genetic testing at GeneDx and in published literature (PMID: 36612057, 16835897); Not observed at significant frequency in large population cohorts (gnomAD); In silico analysis is inconclusive as to whether the variant alters gene splicing. In the absence of RNA/functional studies, the actual effect of this sequence change is unknown; This variant is associated with the following publications: (PMID: 16944272, 29673180, 19292874, 36612057, Fang2022[Abstract], 16835897)

Labcorp Genetics (formerly Invitae), Labcorp
Classification: Likely pathogenic for Neurofibromatosis, type 1. Last evaluated: 2025-01-19. Review status: criteria provided, single submitter. Criteria: Invitae Variant Classification Sherloc (09022015). Collection method: clinical testing. Allele origin: germline.
Comment: This sequence change falls in intron 37 of the NF1 gene. It does not directly change the encoded amino acid sequence of the NF1 protein. It affects a nucleotide within the consensus splice site. This variant is not present in population databases (gnomAD no frequency). This variant has been observed in individual(s) with neurofibromatosis type 1 (PMID: 16835897). ClinVar contains an entry for this variant (Variation ID: 959407). Variants that disrupt the consensus splice site are a relatively common cause of aberrant splicing (PMID: 17576681, 9536098). Algorithms developed to predict the effect of sequence changes on RNA splicing suggest that this variant may disrupt the consensus splice site. This variant disrupts the c.5546+5G nucleotide in the NF1 gene. Other variant(s) that disrupt this nucleotide have been determined to be pathogenic (PMID: 16944272, 19292874, 29673180). This suggests that this nucleotide is clinically significant, and that variants that disrupt this position are likely to be disease-causing. In summary, the currently available evidence indicates that the variant is pathogenic, but additional data are needed to prove that conclusively. Therefore, this variant has been classified as Likely Pathogenic.

NHS Central & South Genomic Laboratory Hub
Classification: Likely pathogenic for Neurofibromatosis type 1. Last evaluated: 2024-11-11. Review status: criteria provided, single submitter. Criteria: ACMG Guidelines, 2015. Collection method: clinical testing. Allele origin: germline. Affected: yes.

Literature cited by the submitters: PubMed 16835897 (cited by Labcorp Genetics (formerly Invitae), Labcorp); PubMed 17576681 (cited by Labcorp Genetics (formerly Invitae), Labcorp); PubMed 9536098 (cited by Labcorp Genetics (formerly Invitae), Labcorp); PubMed 16944272 (cited by Labcorp Genetics (formerly Invitae), Labcorp); PubMed 19292874 (cited by Labcorp Genetics (formerly Invitae), Labcorp); PubMed 29673180 (cited by Labcorp Genetics (formerly Invitae), Labcorp).

NM_001042492.3(NF1):c.5609+5G>C

Gene: NF1 (neurofibromin 1; plus strand). Cytogenetic location: 17q11.2.
Variant type: single nucleotide variant.
Coding change: c.5609+5G>C on transcript NM_001042492.3 (MANE Select); 5 bases into the intron after coding-DNA position 5609, G replaced by C.
Molecular consequence: intron variant.
Genome position (GRCh38, 1-based): chr17:31,327,844, G>C. VCF-style: chr17-31327844-G-C. GRCh37 (hg19) VCF-style: chr17-29654862-G-C.
Other names: c.5546+5G>C (NM_000267.4).
Identifiers: ClinVar variation 959407 (VCV000959407.8), dbSNP rs1597832498, ClinGen allele CA1139665389.
Genomic context (GRCh38, chr17:31,327,844, plus strand): 5'-GGGACACTGCTCAATATCGCATTACTTAATTTAGGCAGTTCTGACCCGAGTTTACGGTAG[G>C]TTTTTTAAAATTCTCTTCAGTTTGATTTGGGGTTTGTTGCTTTTAAAATGAGACCATTTA-3'